The following is an entry in ClinVar:

ClinVar aggregate classification (germline): Uncertain significance (1 of 4 stars; one submission).

Conditions:
Hereditary cancer-predisposing syndrome. Also called: Neoplastic Syndromes, Hereditary; Tumor predisposition; Hereditary Cancer Syndrome; Hereditary neoplastic syndrome. Identifiers: Orphanet 140162, MedGen C0027672, MeSH D009386, MONDO:0015356.

Submission:

Molecular Diagnostics Laboratory, Catalan Institute of Oncology
Classification: Uncertain significance for Hereditary cancer-predisposing syndrome. Last evaluated: 2024-08-28. Review status: criteria provided, single submitter. Criteria: ClinGen BRCA1BRCA2 ACMG Specifications BRCA2 V1.0.0. Collection method: clinical testing. Allele origin: germline.
Comment: PM2_Supporting, BP4 c.7582G>C, located in exon 15 of the BRCA2 gene, is predicted to result in the substitution of glycine by arginine at codon 2528, p.(Gly2528Arg). It is not present in the population database gnomAD v2.1.1, non cancer dataset (PM2_supporting). This position is inside a (potentially) clinically important functional domain. The SpliceAI algorithm predicts no significant impact on splicing and the BayesDel_noAF predictor score for this variant (-0.086) suggests that it does not affect the protein function (BP4). To our knowledge, functional studies have not been reported for this variant. The variant has not been identified neither in BRCA Exchange, ClinVar nor LOVD databases. Based on currently available information, the variant c.7582G>C is classified as an uncertain significance variant according to ClinGen- BRCA1 and BRCA2 Guidelines version 1.0.0.

NM_000059.4(BRCA2):c.7582G>C (p.Gly2528Arg)

Gene: BRCA2 (BRCA2 DNA repair associated; plus strand). Cytogenetic location: 13q13.1.
Variant type: single nucleotide variant.
Coding change: c.7582G>C on transcript NM_000059.4 (MANE Select); coding-DNA position 7582, G replaced by C.
Protein change: p.Gly2528Arg; replaces glycine 2528 with arginine.
Molecular consequence: missense variant. On other transcripts: non-coding transcript variant (1).
Genome position (GRCh38, 1-based): chr13:32,356,574, G>C. VCF-style: chr13-32356574-G-C. GRCh37 (hg19) VCF-style: chr13-32930711-G-C.
Other names: c.7486G>C, p.Gly2496Arg (NM_001406719.1); c.7582G>C, p.Gly2528Arg (NM_001406720.1, NM_001432077.1); c.2650G>C, p.Gly884Arg (NM_001406721.1); c.1165G>C, p.Gly389Arg (NM_001406722.1); short protein forms G2496R, G2528R, G389R, G884R.
Identifiers: ClinVar variation 3764488 (VCV003764488.1).